The following is an entry in ClinVar:

ClinVar aggregate classification (germline): Pathogenic/Likely pathogenic. Review status: criteria provided, multiple submitters, no conflicts (2 of 4 stars). 2 submissions from 2 submitters: Pathogenic (1); Likely pathogenic (1). Last evaluated 2024-03-22.

Conditions:
PLEC-related disorder. Also called: PLEC-related disorders; PLEC-related condition.
Epidermolysis bullosa simplex 5B, with muscular dystrophy (EBS5B). Also called: Epidermolysis bullosa simplex with muscular dystrophy; EPIDERMOLYSIS BULLOSA SIMPLEX AND LIMB-GIRDLE MUSCULAR DYSTROPHY. Identifiers: Orphanet 257, MedGen C2931072, MONDO:0009181, OMIM 226670.
Epidermolysis bullosa simplex with nail dystrophy (EBS5D). Identifiers: MedGen C4225309, MONDO:0014661, OMIM 616487.
Epidermolysis bullosa simplex, Ogna type (EBS5A). Also called: Pidermolysis bullosa simplex 5A, Ogna type; EPIDERMOLYSIS BULLOSA SIMPLEX 5A, OGNA TYPE. Identifiers: Orphanet 79401, MedGen C0432317, MONDO:0007555, OMIM 131950.
Epidermolysis bullosa simplex 5C, with pyloric atresia (EBS5C). Also called: PLEC1-Related Epidermolysis Bullosa with Pyloric Atresia; PLEC-Related Epidermolysis Bullosa with Pyloric Atresia; Epidermolysis bullosa simplex with pyloric atresia. Identifiers: Orphanet 158684, MedGen C2677349, MONDO:0012807, OMIM 612138.
Autosomal recessive limb-girdle muscular dystrophy type 2Q (LGMDR17). Also called: MUSCULAR DYSTROPHY, LIMB-GIRDLE, AUTOSOMAL RECESSIVE 17. Identifiers: Orphanet 254361, MedGen C3150989, MONDO:0013390, OMIM 613723.

gnomAD v4.1: 2 of 1,559,600 alleles (0.00013%); highest among the groups gnomAD compares: Admixed American, 0.0018%; no homozygotes.

Submissions (2):

Labcorp Genetics (formerly Invitae), Labcorp
Classification: Pathogenic for Autosomal recessive limb-girdle muscular dystrophy type 2Q; Epidermolysis bullosa simplex, Ogna type; Epidermolysis bullosa simplex with nail dystrophy; Epidermolysis bullosa simplex 5C, with pyloric atresia; Epidermolysis bullosa simplex 5B, with muscular dystrophy. Last evaluated: 2024-03-22. Review status: criteria provided, single submitter. Criteria: Invitae Variant Classification Sherloc (09022015). Collection method: clinical testing. Allele origin: germline.
Comment: This sequence change creates a premature translational stop signal (p.Gln1618*) in the PLEC gene. It is expected to result in an absent or disrupted protein product. Loss-of-function variants in PLEC are known to be pathogenic (PMID: 20301336, 20447487, 21109228, 23289980, 28824526). This variant is not present in population databases (gnomAD no frequency). This variant has not been reported in the literature in individuals affected with PLEC-related conditions. For these reasons, this variant has been classified as Pathogenic.

Blueprint Genetics
Classification: Likely pathogenic for PLEC-related disorders. Last evaluated: 2019-08-29. Review status: criteria provided, single submitter. Criteria: ACMG Guidelines, 2015. Collection method: clinical testing. Allele origin: germline. Affected: yes. Observed: 1 variant allele.

Literature cited by the submitters: PubMed 20301336 (cited by Labcorp Genetics (formerly Invitae), Labcorp); PubMed 20447487 (cited by Labcorp Genetics (formerly Invitae), Labcorp); PubMed 21109228 (cited by Labcorp Genetics (formerly Invitae), Labcorp); PubMed 23289980 (cited by Labcorp Genetics (formerly Invitae), Labcorp); PubMed 28824526 (cited by Labcorp Genetics (formerly Invitae), Labcorp).

NM_201384.3(PLEC):c.4771C>T (p.Gln1591Ter)

Gene: PLEC (plectin; minus strand). Cytogenetic location: 8q24.3.
Variant type: single nucleotide variant.
Coding change: c.4771C>T on transcript NM_201384.3 (MANE Select); coding-DNA position 4771, C replaced by T.
Protein change: p.Gln1591Ter; replaces glutamine 1591 with a stop codon.
Molecular consequence: nonsense. On other transcripts: intron variant (1).
Genome position (GRCh38, 1-based): chr8:143,925,158, G>A on the plus strand (C>T on the coding strand, the complement: PLEC is on the minus strand). VCF-style: chr8-143925158-G-A. GRCh37 (hg19) VCF-style: chr8-144999326-G-A.
Other names: c.4852C>T, p.Gln1618Ter (NM_000445.5); c.4729C>T, p.Gln1577Ter (NM_201378.4); c.4705C>T, p.Gln1569Ter (NM_201379.3); c.5182C>T, p.Gln1728Ter (NM_201380.4); c.4675C>T, p.Gln1559Ter (NM_201381.3); c.4771C>T, p.Gln1591Ter (NM_201382.4); c.4783C>T, p.Gln1595Ter (NM_201383.3); c.4125+1626C>T (NM_001410941.1); short protein forms Q1559*, Q1569*, Q1577*, Q1591*, Q1595*, Q1618*, Q1728*.
Identifiers: ClinVar variation 3758880 (VCV003758880.3).